The following is an entry in ClinVar:

ClinVar aggregate classification (germline): Uncertain significance. Review status: criteria provided, multiple submitters, no conflicts (2 of 4 stars). 2 submissions from 2 submitters: Uncertain significance (2). Last evaluated 2025-03-17.

Conditions:
Episodic ataxia type 2 (EA2). Also called: ACETAZOLAMIDE-RESPONSIVE HEREDITARY PAROXYSMAL CEREBELLAR ATAXIA; ATAXIA, EPISODIC, WITH NYSTAGMUS; ATAXIA, FAMILIAL PAROXYSMAL; CEREBELLAR ATAXIA, PAROXYSMAL, ACETAZOLAMIDE-RESPONSIVE; CEREBELLOPATHY, HEREDITARY PAROXYSMAL; EPISODIC ATAXIA, NYSTAGMUS-ASSOCIATED. Identifiers: Orphanet 97, MedGen C1720416, MONDO:0007163, OMIM 108500.
Developmental and epileptic encephalopathy, 42 (DEE42A). Also called: DEVELOPMENTAL AND EPILEPTIC ENCEPHALOPATHY 42A; Epileptic encephalopathy, early infantile, 42; EPILEPTIC ENCEPHALOPATHY, EARLY INFANTILE, 42A. Identifiers: MedGen C4310716, MONDO:0014917, OMIM 617106.

Allele frequency attached by ClinVar (database versions not stated): TOPMed below 0.00001; ExAC 0.00001; gnomAD 0.00001.

Submissions (2):

Labcorp Genetics (formerly Invitae), Labcorp
Classification: Uncertain significance for Developmental and epileptic encephalopathy, 42; Episodic ataxia type 2. Last evaluated: 2025-03-17. Review status: criteria provided, single submitter. Criteria: Invitae Variant Classification Sherloc (09022015). Collection method: clinical testing. Allele origin: germline.
Comment: This sequence change replaces lysine, which is basic and polar, with methionine, which is neutral and non-polar, at codon 1139 of the CACNA1A protein (p.Lys1139Met). This variant is present in population databases (rs746555911, gnomAD 0.002%). This variant has not been reported in the literature in individuals affected with CACNA1A-related conditions. ClinVar contains an entry for this variant (Variation ID: 2194400). Invitae Evidence Modeling of protein sequence and biophysical properties (such as structural, functional, and spatial information, amino acid conservation, physicochemical variation, residue mobility, and thermodynamic stability) indicates that this missense variant is not expected to disrupt CACNA1A protein function with a negative predictive value of 95%. In summary, the available evidence is currently insufficient to determine the role of this variant in disease. Therefore, it has been classified as a Variant of Uncertain Significance.

GeneDx
Classification: Uncertain significance. Last evaluated: 2024-08-05. Review status: criteria provided, single submitter. Criteria: GeneDx Variant Classification Process June 2021. Collection method: clinical testing. Allele origin: germline. Affected: yes.
Comment: Not observed at significant frequency in large population cohorts (gnomAD); In silico analysis indicates that this missense variant does not alter protein structure/function; Has not been previously published as pathogenic or benign to our knowledge

NM_001127222.2(CACNA1A):c.3413A>T (p.Lys1138Met)

Gene: CACNA1A (calcium voltage-gated channel subunit alpha1 A; minus strand). Cytogenetic location: 19p13.13.
Variant type: single nucleotide variant.
Coding change: c.3413A>T on transcript NM_001127222.2 (MANE Select); coding-DNA position 3413, A replaced by T.
Protein change: p.Lys1138Met; replaces lysine 1138 with methionine.
Molecular consequence: missense variant.
Genome position (GRCh38, 1-based): chr19:13,286,643, T>A on the plus strand (A>T on the coding strand, the complement: CACNA1A is on the minus strand). VCF-style: chr19-13286643-T-A. GRCh37 (hg19) VCF-style: chr19-13397457-T-A.
Other names: c.3425A>T, p.Lys1142Met (NM_000068.4, NM_023035.3); c.3416A>T, p.Lys1139Met (NM_001127221.2, NM_001174080.2); short protein forms K1139M, K1142M, K1138M.
Identifiers: ClinVar variation 2194400 (VCV002194400.5), dbSNP rs746555911, ClinGen allele CA9240326.